The following is an entry in ClinVar:

ClinVar aggregate classification (germline): Uncertain significance (1 of 4 stars; one submission).

Conditions:
Polycystic kidney disease, adult type (PKD1). Also called: Polycystic Kidney, Autosomal Dominant; Polycystic Kidney Disease 1, Autosomal Dominant; Polycystic kidney disease 1; Polycystic kidney disease 1, severe; POLYCYSTIC KIDNEY DISEASE 1 WITH OR WITHOUT POLYCYSTIC LIVER DISEASE; POLYCYSTIC KIDNEY DISEASE, ADULT, TYPE I. Identifiers: MedGen C3149841, MONDO:0008263, OMIM 173900.

Submission:

MGZ Medical Genetics Center
Classification: Uncertain significance for Polycystic kidney disease, adult type. Last evaluated: 2021-08-06. Review status: criteria provided, single submitter. Criteria: ACMG Guidelines, 2015. Collection method: clinical testing. Allele origin: germline. Affected: yes. Observed: 1 variant allele.
Comment: ACMG criteria applied: PM2_SUP, PP2, PP3

NM_001009944.3(PKD1):c.3902C>G (p.Pro1301Arg)

Gene: PKD1 (polycystin 1, transient receptor potential channel interacting; minus strand). Cytogenetic location: 16p13.3.
Variant type: single nucleotide variant.
Coding change: c.3902C>G on transcript NM_001009944.3 (MANE Select); coding-DNA position 3902, C replaced by G.
Protein change: p.Pro1301Arg; replaces proline 1301 with arginine.
Molecular consequence: missense variant.
Genome position (GRCh38, 1-based): chr16:2,111,265, G>C on the plus strand (C>G on the coding strand, the complement: PKD1 is on the minus strand). VCF-style: chr16-2111265-G-C. GRCh37 (hg19) VCF-style: chr16-2161266-G-C.
Other names: c.3902C>G, p.Pro1301Arg (NM_000296.4); short protein forms P1301R.
Identifiers: ClinVar variation 1709952 (VCV001709952.1), dbSNP rs2544826889, ClinGen allele CA394381977.
Genomic context (GRCh38, chr16:2,111,265, plus strand): 5'-GGGTTCCCGGTGACGTAGGCCGTGAGCCGCGCGTCAGGCTGCGTGGGGATGCAGGCGGCG[G>C]GTTCAACGCGCAGCACCTCCAGGACGAAGACCAGCACGTGCAGGCTCCGGGCCAGGTGGC-3'
Protein context (NP_001009944.3, residues 1291-1311): VFVLEVLRVE[Pro1301Arg]AACIPTQPDA